The following is an entry in ClinVar:

NM_005585.5(SMAD6):c.854G>A (p.Arg285His)

Gene: SMAD6 (SMAD family member 6; plus strand). Cytogenetic location: 15q22.31.
Variant type: single nucleotide variant.
Coding change: c.854G>A on transcript NM_005585.5 (MANE Select); coding-DNA position 854, G replaced by A.
Protein change: p.Arg285His; replaces arginine 285 with histidine.
Molecular consequence: missense variant. On other transcripts: non-coding transcript variant (1).
Genome position (GRCh38, 1-based): chr15:66,711,704, G>A. VCF-style: chr15-66711704-G-A. GRCh37 (hg19) VCF-style: chr15-67004042-G-A.
Other names: c.854G>A (NM_005585.4); short protein forms R285H.
Identifiers: ClinVar variation 1044815 (VCV001044815.9), dbSNP rs201098141, ClinGen allele CA7626592.

ClinVar aggregate classification (germline): Conflicting classifications of pathogenicity. Review status: criteria provided, conflicting classifications (1 of 4 stars). 2 submissions from 2 submitters: Uncertain significance (1); Likely benign (1). Last evaluated 2024-10-17.

Conditions:
Aortic valve disease 2 (AOVD2). Identifiers: MedGen C3542024, MONDO:0013902, OMIM 614823.
Inborn genetic diseases. Identifiers: MedGen C0950123, MeSH D030342.

Allele frequency attached by ClinVar (database versions not stated): TOPMed 0.00002; gnomAD exomes 0.00005; ExAC 0.00006; 1000 Genomes Project 0.00020; 1000 Genomes Project 30x 0.00031.

Submissions (2):

Labcorp Genetics (formerly Invitae), Labcorp
Classification: Uncertain significance for Aortic valve disease 2. Last evaluated: 2024-10-17. Review status: criteria provided, single submitter. Criteria: Invitae Variant Classification Sherloc (09022015). Collection method: clinical testing. Allele origin: germline.
Comment: This sequence change replaces arginine, which is basic and polar, with histidine, which is basic and polar, at codon 285 of the SMAD6 protein (p.Arg285His). This variant is present in population databases (rs201098141, gnomAD 0.03%). This variant has not been reported in the literature in individuals affected with SMAD6-related conditions. ClinVar contains an entry for this variant (Variation ID: 1044815). Invitae Evidence Modeling of protein sequence and biophysical properties (such as structural, functional, and spatial information, amino acid conservation, physicochemical variation, residue mobility, and thermodynamic stability) indicates that this missense variant is not expected to disrupt SMAD6 protein function with a negative predictive value of 80%. In summary, the available evidence is currently insufficient to determine the role of this variant in disease. Therefore, it has been classified as a Variant of Uncertain Significance.

Ambry Genetics
Classification: Likely benign for Inborn genetic diseases. Last evaluated: 2023-01-12. Review status: criteria provided, single submitter. Criteria: Ambry Variant Classification Scheme 2023. Collection method: clinical testing. Allele origin: germline.